The following is an entry in ClinVar:

NM_002968.3(SALL1):c.3068A>C (p.His1023Pro)

Gene: SALL1 (spalt like transcription factor 1; minus strand). Cytogenetic location: 16q12.1.
Variant type: single nucleotide variant.
Coding change: c.3068A>C on transcript NM_002968.3 (MANE Select); coding-DNA position 3068, A replaced by C.
Protein change: p.His1023Pro; replaces histidine 1023 with proline.
Molecular consequence: missense variant.
Genome position (GRCh38, 1-based): chr16:51,139,154, T>G on the plus strand (A>C on the coding strand, the complement: SALL1 is on the minus strand). VCF-style: chr16-51139154-T-G. GRCh37 (hg19) VCF-style: chr16-51173065-T-G.
Other names: c.2777A>C, p.His926Pro (NM_001127892.2); short protein forms H1023P, H926P.
Identifiers: ClinVar variation 1216476 (VCV001216476.4), dbSNP rs1962364472, ClinGen allele CA395882055.

ClinVar aggregate classification (germline): Uncertain significance (1 of 4 stars; one submission).

Allele frequency attached by ClinVar (database versions not stated): gnomAD exomes below 0.00001.
gnomAD v4.1: 2 of 1,614,232 alleles (0.00012%); highest among the groups gnomAD compares: Non-Finnish European, 0.00017%; no homozygotes.

Submission:

GeneDx
Classification: Uncertain significance. Last evaluated: 2023-12-03. Review status: criteria provided, single submitter. Criteria: GeneDx Variant Classification Process June 2021. Collection method: clinical testing. Allele origin: germline. Affected: yes.
Comment: In silico analysis supports that this missense variant has a deleterious effect on protein structure/function; Has not been previously published as pathogenic or benign to our knowledge